The following is an entry in ClinVar:

ClinVar aggregate classification (germline): Uncertain significance (1 of 4 stars; one submission).

Conditions:
Gastrointestinal stromal tumor. Also called: Gastrointestinal stroma tumor; Gastrointestinal stromal tumor, somatic. Identifiers: Orphanet 44890, MedGen C0238198, MeSH D046152, MONDO:0011719, OMIM 606764, HP:0100723.

Submission:

Labcorp Genetics (formerly Invitae), Labcorp
Classification: Uncertain significance for Gastrointestinal stromal tumor. Last evaluated: 2022-04-03. Review status: criteria provided, single submitter. Criteria: Invitae Variant Classification Sherloc (09022015). Collection method: clinical testing. Allele origin: germline.
Comment: In summary, the available evidence is currently insufficient to determine the role of this variant in disease. Therefore, it has been classified as a Variant of Uncertain Significance. Algorithms developed to predict the effect of missense changes on protein structure and function output the following: SIFT: "Tolerated"; PolyPhen-2: "Benign"; Align-GVGD: "Class C0". The glutamic acid amino acid residue is found in multiple mammalian species, which suggests that this missense change does not adversely affect protein function. This variant has not been reported in the literature in individuals affected with KIT-related conditions. This variant is not present in population databases (gnomAD no frequency). This sequence change replaces lysine, which is basic and polar, with glutamic acid, which is acidic and polar, at codon 258 of the KIT protein (p.Lys258Glu).

NM_000222.3(KIT):c.772A>G (p.Lys258Glu)

Gene: KIT (KIT proto-oncogene, receptor tyrosine kinase; plus strand). Cytogenetic location: 4q12.
Variant type: single nucleotide variant.
Coding change: c.772A>G on transcript NM_000222.3 (MANE Select); coding-DNA position 772, A replaced by G.
Protein change: p.Lys258Glu; replaces lysine 258 with glutamic acid.
Molecular consequence: missense variant.
Genome position (GRCh38, 1-based): chr4:54,703,739, A>G. VCF-style: chr4-54703739-A-G. GRCh37 (hg19) VCF-style: chr4-55569905-A-G.
Other names: c.772A>G, p.Lys258Glu (NM_001093772.2, NM_001385285.1, NM_001385286.1); c.775A>G, p.Lys259Glu (NM_001385284.1, NM_001385288.1, NM_001385290.1 and 1 more transcripts); short protein forms K258E, K259E.
Identifiers: ClinVar variation 2120995 (VCV002120995.4), dbSNP rs2109692964, ClinGen allele CA356899285.